The following is an entry in ClinVar:

NM_152743.4(BRAT1):c.1290C>A (p.Leu430=)

Gene: BRAT1 (BRCA1 associated ATM activator 1; minus strand). Cytogenetic location: 7p22.3.
Variant type: single nucleotide variant.
Coding change: c.1290C>A on transcript NM_152743.4 (MANE Select); coding-DNA position 1290, C replaced by A.
Protein change: p.Leu430=; no amino-acid change (leucine 430 retained).
Molecular consequence: synonymous variant. On other transcripts: non-coding transcript variant (1).
Genome position (GRCh38, 1-based): chr7:2,541,329, G>T on the plus strand (C>A on the coding strand, the complement: BRAT1 is on the minus strand). VCF-style: chr7-2541329-G-T. GRCh37 (hg19) VCF-style: chr7-2580963-G-T.
Other names: c.1290C>A, p.Leu430= (NM_001350626.2); c.765C>A, p.Leu255= (NM_001350627.2); c.1290C>A (NM_152743.3).
Identifiers: ClinVar variation 2173740 (VCV002173740.6), dbSNP rs768272447, ClinGen allele CA4127849.

ClinVar aggregate classification (germline): Likely benign. Review status: criteria provided, single submitter (1 of 4 stars). 2 submissions from 2 submitters: Likely benign (1). 1 of the submissions does not count toward it. Last evaluated 2024-04-29.

Conditions:
Neonatal-onset encephalopathy with rigidity and seizures. Also called: Lethal neonatal spasticity-epileptic encephalopathy syndrome. Identifiers: Orphanet 435845, MedGen C3281029, MONDO:0013784, OMIM 614498.
BRAT1-related disorder. Also called: BRAT1-related condition; BRAT1-related disorders.

Submissions (2):

Labcorp Genetics (formerly Invitae), Labcorp
Classification: Likely benign for Neonatal-onset encephalopathy with rigidity and seizures. Last evaluated: 2024-04-29. Review status: criteria provided, single submitter. Criteria: Invitae Variant Classification Sherloc (09022015). Collection method: clinical testing. Allele origin: germline.

PreventionGenetics, part of Exact Sciences
Classification: Likely benign for BRAT1-related condition. Last evaluated: 2019-09-10. Review status: no assertion criteria provided. Collection method: clinical testing. Allele origin: germline. Not counted in ClinVar's aggregate classification.
Comment: This variant is classified as likely benign based on ACMG/AMP sequence variant interpretation guidelines (Richards et al. 2015 PMID: 25741868, with internal and published modifications).